The following is an entry in ClinVar:

NM_005359.6(SMAD4):c.609A>G (p.Pro203=)

Gene: SMAD4 (SMAD family member 4; plus strand). Cytogenetic location: 18q21.2.
Variant type: single nucleotide variant.
Coding change: c.609A>G on transcript NM_005359.6 (MANE Select); coding-DNA position 609, A replaced by G.
Protein change: p.Pro203=; no amino-acid change (proline 203 retained).
Molecular consequence: synonymous variant.
Genome position (GRCh38, 1-based): chr18:51,054,935, A>G. VCF-style: chr18-51054935-A-G. GRCh37 (hg19) VCF-style: chr18-48581305-A-G.
Identifiers: ClinVar variation 1134889 (VCV001134889.13), dbSNP rs2144419276, ClinGen allele CA503873766.

ClinVar aggregate classification (germline): Benign/Likely benign. Review status: criteria provided, multiple submitters, no conflicts (2 of 4 stars). 4 submissions from 4 submitters: Benign (1); Likely benign (3). Last evaluated 2025-06-17.

Conditions:
Hereditary cancer-predisposing syndrome. Also called: Hereditary Cancer Syndrome; Neoplastic Syndromes, Hereditary; Hereditary neoplastic syndrome; Tumor predisposition. Identifiers: Orphanet 140162, MedGen C0027672, MeSH D009386, MONDO:0015356.
Familial thoracic aortic aneurysm and aortic dissection (TAAD). Also called: Thoracic aortic aneurysms and dissections. Identifiers: Orphanet 91387, MedGen C4707243, MONDO:0019625.
Juvenile polyposis syndrome (JPS). Identifiers: Orphanet 2929, MedGen C0345893, MONDO:0017380, OMIM 174900.
Juvenile polyposis/hereditary hemorrhagic telangiectasia syndrome (JPHT). Also called: JP/HHT SYNDROME; JUVENILE POLYPOSIS WITH HEREDITARY HEMORRHAGIC TELANGIECTASIA; POLYPOSIS, GENERALIZED JUVENILE, WITH PULMONARY ARTERIOVENOUS MALFORMATION; TELANGIECTASIA, HEREDITARY HEMORRHAGIC, WITH JUVENILE POLYPOSIS COLI; Juvenile Polyposis Syndrome / Hereditary Hemorrhagic Telangiectasia (JPS/HHT). Identifiers: Orphanet 2929, MedGen C1832942, MONDO:0008278, OMIM 175050.

Submissions (4):

Labcorp Genetics (formerly Invitae), Labcorp
Classification: Likely benign for Juvenile polyposis syndrome. Last evaluated: 2025-06-17. Review status: criteria provided, single submitter. Criteria: Invitae Variant Classification Sherloc (09022015). Collection method: clinical testing. Allele origin: germline.

Myriad Genetics, Inc.
Classification: Benign for Juvenile polyposis/hereditary hemorrhagic telangiectasia syndrome. Last evaluated: 2025-03-19. Review status: criteria provided, single submitter. Criteria: Myriad Autosomal Dominant, Autosomal Recessive and X-Linked Classification Criteria (2023). Collection method: clinical testing. Allele origin: unknown.
Comment: This variant is considered benign. This variant is a silent/synonymous amino acid change and it is not expected to impact splicing.

All of Us Research Program, National Institutes of Health
Classification: Likely benign for Juvenile polyposis/hereditary hemorrhagic telangiectasia syndrome. Last evaluated: 2023-12-18. Review status: criteria provided, single submitter. Criteria: ACMG Guidelines, 2015. Collection method: clinical testing. Allele origin: germline. Inheritance: Autosomal dominant inheritance. Observed: 1 variant allele, 1 heterozygote.
Comment: This study involves interpretation of variants in research participants for the purpose of population health screening. Participant phenotype was not available at the time of variant classification. Additional details can be found in publication PMID: 35346344, PMCID: PMC8962531

Ambry Genetics
Classification: Likely benign for Hereditary cancer-predisposing syndrome; Familial thoracic aortic aneurysm and aortic dissection. Last evaluated: 2022-05-23. Review status: criteria provided, single submitter. Criteria: Ambry Variant Classification Scheme 2023. Collection method: clinical testing. Allele origin: germline.